The following is an entry in ClinVar:

ClinVar aggregate classification (germline): Uncertain significance (1 of 4 stars; one submission).

Conditions:
Cardiovascular phenotype. Identifiers: MedGen CN230736.

Submission:

Ambry Genetics
Classification: Uncertain significance for Cardiovascular phenotype. Last evaluated: 2026-05-28. Review status: criteria provided, single submitter. Criteria: Ambry Variant Classification Scheme 2023. Collection method: clinical testing. Allele origin: germline.
Comment: The p.L630F variant (also known as c.1888C>T), located in coding exon 10 of the JUP gene, results from a C to T substitution at nucleotide position 1888. The leucine at codon 630 is replaced by phenylalanine, an amino acid with highly similar properties. This amino acid position is conserved. In addition, this alteration is predicted to be deleterious by in silico analysis. Based on the available evidence, the clinical significance of this variant remains unclear.

NM_002230.4(JUP):c.1888C>T (p.Leu630Phe)

Gene: JUP (junction plakoglobin; minus strand). Cytogenetic location: 17q21.2.
Variant type: single nucleotide variant.
Coding change: c.1888C>T on transcript NM_002230.4 (MANE Select); coding-DNA position 1888, C replaced by T.
Protein change: p.Leu630Phe; replaces leucine 630 with phenylalanine.
Molecular consequence: missense variant.
Genome position (GRCh38, 1-based): chr17:41,757,670, G>A on the plus strand (C>T on the coding strand, the complement: JUP is on the minus strand). VCF-style: chr17-41757670-G-A. GRCh37 (hg19) VCF-style: chr17-39913922-G-A.
Other names: c.1888C>T, p.Leu630Phe (NM_001352773.2, NM_001352774.2, NM_001352775.2 and 3 more transcripts); short protein forms L630F.
Identifiers: ClinVar variation 4858580 (VCV004858580.1).